The following is an entry in ClinVar:

NM_001077365.2(POMT1):c.756C>A (p.Val252=)

Gene: POMT1 (protein O-mannosyltransferase 1; plus strand). Cytogenetic location: 9q34.13.
Variant type: single nucleotide variant.
Coding change: c.756C>A on transcript NM_001077365.2 (MANE Select); coding-DNA position 756, C replaced by A.
Protein change: p.Val252=; no amino-acid change (valine 252 retained).
Molecular consequence: synonymous variant. On other transcripts: missense variant (1), non-coding transcript variant (10).
Genome position (GRCh38, 1-based): chr9:131,510,316, C>A. VCF-style: chr9-131510316-C-A. GRCh37 (hg19) VCF-style: chr9-134385703-C-A.
Other names: c.594C>A, p.Val198= (NM_001077366.2, NM_001353194.2, NM_001374693.1); c.756C>A, p.Val252= (NM_001136113.2, NM_001374690.1); c.405C>A, p.Val135= (NM_001136114.2, NM_001353195.2, NM_001374691.1 and 1 more transcripts); c.822C>A, p.Val274= (NM_001353193.2, NM_007171.4); c.666C>A, p.Val222= (NM_001353196.2); c.660C>A, p.Val220= (NM_001353197.2, NM_001353198.2); c.471C>A, p.Val157= (NM_001353199.2); c.300C>A, p.Val100= (NM_001353200.2); and 3 more; short protein forms R247S.
Identifiers: ClinVar variation 1432198 (VCV001432198.9), dbSNP rs1286632929, ClinGen allele CA467421932.

ClinVar aggregate classification (germline): Likely benign. Review status: criteria provided, multiple submitters, no conflicts (2 of 4 stars). 2 submissions from 2 submitters: Likely benign (2). Last evaluated 2026-05-17.

Conditions:
POMT1-related disorder. Also called: POMT1-related condition; POMT1-related disorders.
Walker-Warburg congenital muscular dystrophy. Also called: Muscular dystrophy-dystroglycanopathy, type A; Walker-Warburg syndrome. Identifiers: Orphanet 899, MedGen C0265221, MONDO:0000171.
Autosomal recessive limb-girdle muscular dystrophy type 2K. Also called: MUSCULAR DYSTROPHY, LIMB-GIRDLE, TYPE 2K; MUSCULAR DYSTROPHY-DYSTROGLYCANOPATHY (LIMB-GIRDLE), TYPE C, 1. Identifiers: Orphanet 86812, MedGen C1836373, MONDO:0012248, OMIM 609308.
Muscular dystrophy-dystroglycanopathy (congenital with impaired intellectual development), type B, 1. Also called: MUSCULAR DYSTROPHY, CONGENITAL, POMT1-RELATED; Muscular dystrophy-dystroglycanopathy (congenital with intellectual disability), type B1. Identifiers: MedGen C5436962, MONDO:0013159, OMIM 613155.

Allele frequency attached by ClinVar (database versions not stated): gnomAD exomes 0.00001.
gnomAD v4.1: 3 of 1,614,174 alleles (0.00019%); highest among the groups gnomAD compares: Admixed American, 0.005%; no homozygotes.

Submissions (2):

PreventionGenetics, part of Exact Sciences
Classification: Likely benign for POMT1-related condition. Last evaluated: 2026-05-17. Review status: criteria provided, single submitter. Criteria: ACMG Guidelines, 2015. Collection method: clinical testing. Allele origin: germline.
Comment: This variant is classified as likely benign based on ACMG/AMP sequence variant interpretation guidelines (Richards et al. 2015 PMID: 25741868, with internal and published modifications).

Labcorp Genetics (formerly Invitae), Labcorp
Classification: Likely benign for Muscular dystrophy-dystroglycanopathy (congenital with impaired intellectual development), type B, 1; Walker-Warburg congenital muscular dystrophy; Autosomal recessive limb-girdle muscular dystrophy type 2K. Last evaluated: 2024-10-17. Review status: criteria provided, single submitter. Criteria: Invitae Variant Classification Sherloc (09022015). Collection method: clinical testing. Allele origin: germline.